The following is an entry in ClinVar:

NM_003809.3(TNFSF12):c.499G>A (p.Val167Met)

Genes: TNFSF12 (TNF superfamily member 12; plus strand), TNFSF12-TNFSF13 (TNFSF12-TNFSF13 readthrough; plus strand). Cytogenetic location: 17p13.1.
Variant type: single nucleotide variant.
Coding change: c.499G>A on transcript NM_003809.3 (MANE Select); coding-DNA position 499, G replaced by A.
Protein change: p.Val167Met; replaces valine 167 with methionine.
Molecular consequence: missense variant. On other transcripts: non-coding transcript variant (1), intron variant (1).
Genome position (GRCh38, 1-based): chr17:7,557,099, G>A. VCF-style: chr17-7557099-G-A. GRCh37 (hg19) VCF-style: chr17-7460416-G-A.
Other names: c.498+197G>A (NM_172089.4); short protein forms V167M.
Identifiers: ClinVar variation 3677602 (VCV003677602.2).

ClinVar aggregate classification (germline): Uncertain significance (1 of 4 stars; one submission).

Conditions:
Common variable immunodeficiency (CVID). Also called: Common variable hypogamma-globulinemia; Common variable agammaglobulinemia. Identifiers: Orphanet 1572, MedGen C0009447, MONDO:0015517.

Submission:

Labcorp Genetics (formerly Invitae), Labcorp
Classification: Uncertain significance for Common variable immunodeficiency. Last evaluated: 2024-09-17. Review status: criteria provided, single submitter. Criteria: Invitae Variant Classification Sherloc (09022015). Collection method: clinical testing. Allele origin: germline.
Comment: This sequence change replaces valine, which is neutral and non-polar, with methionine, which is neutral and non-polar, at codon 167 of the TNFSF12 protein (p.Val167Met). This variant is present in population databases (rs763136569, gnomAD 0.007%). This variant has not been reported in the literature in individuals affected with TNFSF12-related conditions. An algorithm developed to predict the effect of missense changes on protein structure and function (PolyPhen-2) suggests that this variant is likely to be disruptive. In summary, the available evidence is currently insufficient to determine the role of this variant in disease. Therefore, it has been classified as a Variant of Uncertain Significance.